The following is an entry in ClinVar:

ClinVar aggregate classification (germline): Uncertain significance (1 of 4 stars; one submission).

Conditions:
Intellectual disability, X-linked, with or without seizures, ARX-related. Also called: INTELLECTUAL DEVELOPMENTAL DISORDER, X-LINKED 29; Mental retardation, X-linked 52; MENTAL RETARDATION, X-LINKED 29; MENTAL RETARDATION, X-LINKED 32; MENTAL RETARDATION, X-LINKED 33; MENTAL RETARDATION, X-LINKED 38. Identifiers: Orphanet 777, MedGen C0796244, MONDO:0010317, OMIM 300419.
Developmental and epileptic encephalopathy, 1 (DEE1). Also called: X-linked infantile spasms; Epileptic encephalopathy, early infantile, 1; West's syndrome; Tonic spasms with clustering, arrest of psychomotor development and hypsarrhythmia on EEG; X-Linked Infantile Spasm Syndrome; OHTAHARA SYNDROME, X-LINKED. Identifiers: MedGen C3463992, MONDO:0010632, OMIM 308350. Disease mechanism: loss of function.

gnomAD v4.1: 4 of 797,549 alleles (0.0005%); highest among the groups gnomAD compares: Non-Finnish European, 0.0006%; no homozygotes.

Submission:

Labcorp Genetics (formerly Invitae), Labcorp
Classification: Uncertain significance for Developmental and epileptic encephalopathy, 1; Intellectual disability, X-linked, with or without seizures, ARX-related. Last evaluated: 2020-11-10. Review status: criteria provided, single submitter. Criteria: Invitae Variant Classification Sherloc (09022015). Collection method: clinical testing. Allele origin: germline.
Comment: In summary, the available evidence is currently insufficient to determine the role of this variant in disease. Therefore, it has been classified as a Variant of Uncertain Significance. Advanced modeling of protein sequence and biophysical properties (such as structural, functional, and spatial information, amino acid conservation, physicochemical variation, residue mobility, and thermodynamic stability) performed at Invitae indicates that this missense variant is not expected to disrupt ARX protein function. This variant has not been reported in the literature in individuals with ARX-related conditions. The frequency data for this variant in the population databases is considered unreliable, as metrics indicate insufficient coverage at this position in the ExAC database. This sequence change replaces alanine with valine at codon 151 of the ARX protein (p.Ala151Val). The alanine residue is moderately conserved and there is a small physicochemical difference between alanine and valine.

NM_139058.3(ARX):c.452C>T (p.Ala151Val)

Genes: ARX (aristaless related homeobox; minus strand), LOC109610631 (aristaless related homeobox polyalanine expansion region; plus strand). Cytogenetic location: Xp21.3.
Variant type: single nucleotide variant.
Coding change: c.452C>T on transcript NM_139058.3 (MANE Select); coding-DNA position 452, C replaced by T.
Protein change: p.Ala151Val; replaces alanine 151 with valine.
Molecular consequence: missense variant.
Genome position (GRCh38, 1-based): chrX:25,013,543, G>A on the plus strand (C>T on the coding strand, the complement: ARX is on the minus strand). VCF-style: chrX-25013543-G-A. GRCh37 (hg19) VCF-style: chrX-25031660-G-A.
Other names: short protein forms A151V.
Identifiers: ClinVar variation 1369936 (VCV001369936.8), dbSNP rs1439646032, ClinGen allele CA412613154.